The following is an entry in ClinVar:

ClinVar aggregate classification (germline): Likely benign (1 of 4 stars; one submission).

gnomAD v4.1: 84 of 456,316 alleles (0.018%); highest among the groups gnomAD compares: Admixed American, 0.1%; no homozygotes.

Submission:

CeGaT Center for Human Genetics Tuebingen
Classification: Likely benign. Last evaluated: 2023-03-01. Review status: criteria provided, single submitter. Criteria: CeGaT Center For Human Genetics Tuebingen Variant Classification Criteria Version 2. Collection method: clinical testing. Allele origin: germline. Affected: yes. Observed: 1 variant allele.
Comment: ROBO2: BP4, BP7

NM_001395656.1(ROBO2):c.3972G>T (p.Pro1324=)

Gene: ROBO2 (roundabout guidance receptor 2; plus strand). Cytogenetic location: 3p12.3.
Variant type: single nucleotide variant.
Coding change: c.3972G>T on transcript NM_001395656.1 (MANE Select); coding-DNA position 3972, G replaced by T.
Protein change: p.Pro1324=; no amino-acid change (proline 1324 retained).
Molecular consequence: synonymous variant. On other transcripts: intron variant (18).
Genome position (GRCh38, 1-based): chr3:77,642,696, G>T. VCF-style: chr3-77642696-G-T. GRCh37 (hg19) VCF-style: chr3-77691847-G-T.
Other names: c.4020G>T, p.Pro1340= (NM_001378190.1); c.4146G>T, p.Pro1382= (NM_001378191.1); c.4041G>T, p.Pro1347= (NM_001378192.1); c.3960G>T, p.Pro1320= (NM_001378193.1); c.4155G>T, p.Pro1385= (NM_001394212.1); c.4121-2008G>T (NM_001378195.1, NM_001378196.1); c.3995-2008G>T (NM_001378200.1, NM_001378201.1); c.3821-2008G>T (NM_001378203.1); and 11 more.
Identifiers: ClinVar variation 2653978 (VCV002653978.24), dbSNP rs534571700, ClinGen allele CA77532133.
Genomic context (GRCh38, chr3:77,642,696, plus strand): 5'-TTTAGTCCATTCTAAACATTATTCAAAATTTTTAGATCTTCCACCACCACCAGATCCCCC[G>T]CCAGGTCAGGGTTTAAGGCAGCAAATAGGCCCGAGCCAGCAGGCTGGTAACGTGGAAAAC-3'
Protein context (NP_001382585.1, residues 1314-1334): TDDLPPPPDP[Pro1324=]PGQGLRQQIG